The following is an entry in ClinVar:

NM_002392.6(MDM2):c.1150A>T (p.Asn384Tyr)

Gene: MDM2 (MDM2 proto-oncogene; plus strand). Cytogenetic location: 12q15.
Variant type: single nucleotide variant.
Coding change: c.1150A>T on transcript NM_002392.6 (MANE Select); coding-DNA position 1150, A replaced by T.
Protein change: p.Asn384Tyr; replaces asparagine 384 with tyrosine.
Molecular consequence: missense variant.
Genome position (GRCh38, 1-based): chr12:68,839,505, A>T. VCF-style: chr12-68839505-A-T. GRCh37 (hg19) VCF-style: chr12-69233285-A-T.
Other names: c.991A>T, p.Asn331Tyr (NM_001145337.3); c.985A>T, p.Asn329Tyr (NM_001145339.2); c.544A>T, p.Asn182Tyr (NM_001145340.3); c.622A>T, p.Asn208Tyr (NM_001278462.2); c.1132A>T, p.Asn378Tyr (NM_001367990.1); short protein forms N208Y, N329Y, N378Y, N331Y, N182Y, N384Y.
Identifiers: ClinVar variation 2713641 (VCV002713641.3), dbSNP rs2499256228, ClinGen allele CA385704894.

ClinVar aggregate classification (germline): Uncertain significance (1 of 4 stars; one submission).

Conditions:
Accelerated tumor formation, susceptibility to (ACTFS). Identifiers: MedGen C3280690, OMIM 614401, MONDO:0013733.

Submission:

Labcorp Genetics (formerly Invitae), Labcorp
Classification: Uncertain significance for Accelerated tumor formation, susceptibility to. Last evaluated: 2023-06-14. Review status: criteria provided, single submitter. Criteria: Invitae Variant Classification Sherloc (09022015). Collection method: clinical testing. Allele origin: germline.
Comment: This sequence change replaces asparagine, which is neutral and polar, with tyrosine, which is neutral and polar, at codon 384 of the MDM2 protein (p.Asn384Tyr). This variant is not present in population databases (gnomAD no frequency). This variant has not been reported in the literature in individuals affected with MDM2-related conditions. An algorithm developed to predict the effect of missense changes on protein structure and function (PolyPhen-2) suggests that this variant is likely to be tolerated. In summary, the available evidence is currently insufficient to determine the role of this variant in disease. Therefore, it has been classified as a Variant of Uncertain Significance.